The following is an entry in ClinVar:

ClinVar aggregate classification (germline): Uncertain significance. Review status: criteria provided, multiple submitters, no conflicts (2 of 4 stars). 2 submissions from 2 submitters: Uncertain significance (2). Last evaluated 2024-11-19.

Conditions:
Capillary malformation-arteriovenous malformation syndrome. Also called: Capillary malformation-arteriovenous malformation. Identifiers: Orphanet 137667, MedGen C1842180, MONDO:0012016.

Allele frequency attached by ClinVar (database versions not stated): gnomAD 0.00001; TOPMed 0.00001.
gnomAD v4.1: 2 of 1,613,452 alleles (0.00012%); highest among the groups gnomAD compares: African/African-American, 0.0013%; no homozygotes.

Submissions (2):

Labcorp Genetics (formerly Invitae), Labcorp
Classification: Uncertain significance for Capillary malformation-arteriovenous malformation syndrome. Last evaluated: 2024-11-19. Review status: criteria provided, single submitter. Criteria: Invitae Variant Classification Sherloc (09022015). Collection method: clinical testing. Allele origin: germline.
Comment: This sequence change replaces lysine, which is basic and polar, with methionine, which is neutral and non-polar, at codon 200 of the RASA1 protein (p.Lys200Met). This variant is not present in population databases (gnomAD no frequency). This variant has not been reported in the literature in individuals affected with RASA1-related conditions. ClinVar contains an entry for this variant (Variation ID: 2682893). An algorithm developed to predict the effect of missense changes on protein structure and function (PolyPhen-2) suggests that this variant is likely to be disruptive. In summary, the available evidence is currently insufficient to determine the role of this variant in disease. Therefore, it has been classified as a Variant of Uncertain Significance.

Mayo Clinic Laboratories, Mayo Clinic
Classification: Uncertain significance. Last evaluated: 2023-03-17. Review status: criteria provided, single submitter. Criteria: ACMG Guidelines, 2015. Collection method: clinical testing. Allele origin: germline. Observed: 1 variant allele.
Comment: PM2_supporting

NM_002890.3(RASA1):c.599A>T (p.Lys200Met)

Genes: CCNH (cyclin H; minus strand), RASA1 (RAS p21 protein activator 1; plus strand). Cytogenetic location: 5q14.3.
Variant type: single nucleotide variant.
Coding change: c.599A>T on transcript NM_002890.3 (MANE Select); coding-DNA position 599, A replaced by T.
Protein change: p.Lys200Met; replaces lysine 200 with methionine.
Molecular consequence: missense variant. On other transcripts: intron variant (1).
Genome position (GRCh38, 1-based): chr5:87,331,407, A>T. VCF-style: chr5-87331407-A-T. GRCh37 (hg19) VCF-style: chr5-86627224-A-T.
Other names: p.Lys200Met; c.68A>T, p.Lys23Met (NM_022650.3); c.934-18612T>A (NM_001364075.2); short protein forms K200M, K23M.
Identifiers: ClinVar variation 2682893 (VCV002682893.4), dbSNP rs1455999394, ClinGen allele CA360375523.